The following is an entry in ClinVar:

ClinVar aggregate classification (germline): Uncertain significance (1 of 4 stars; one submission).

Conditions:
Tuberous sclerosis 1 (TSC1). Identifiers: Orphanet 805, MedGen C1854465, MONDO:0008612, OMIM 191100.

Submission:

Labcorp Genetics (formerly Invitae), Labcorp
Classification: Uncertain significance for Tuberous sclerosis 1. Last evaluated: 2022-06-10. Review status: criteria provided, single submitter. Criteria: Invitae Variant Classification Sherloc (09022015). Collection method: clinical testing. Allele origin: germline.
Comment: This sequence change replaces isoleucine, which is neutral and non-polar, with threonine, which is neutral and polar, at codon 1153 of the TSC1 protein (p.Ile1153Thr). This variant is not present in population databases (gnomAD no frequency). This variant has not been reported in the literature in individuals affected with TSC1-related conditions. Algorithms developed to predict the effect of missense changes on protein structure and function are either unavailable or do not agree on the potential impact of this missense change (SIFT: "Deleterious"; PolyPhen-2: "Probably Damaging"; Align-GVGD: "Class C0"). In summary, the available evidence is currently insufficient to determine the role of this variant in disease. Therefore, it has been classified as a Variant of Uncertain Significance.

NM_000368.5(TSC1):c.3458T>C (p.Ile1153Thr)

Gene: TSC1 (TSC complex subunit 1; minus strand). Cytogenetic location: 9q34.13.
Variant type: single nucleotide variant.
Coding change: c.3458T>C on transcript NM_000368.5 (MANE Select); coding-DNA position 3458, T replaced by C.
Protein change: p.Ile1153Thr; replaces isoleucine 1153 with threonine.
Molecular consequence: missense variant.
Genome position (GRCh38, 1-based): chr9:132,896,272, A>G on the plus strand (T>C on the coding strand, the complement: TSC1 is on the minus strand). VCF-style: chr9-132896272-A-G. GRCh37 (hg19) VCF-style: chr9-135771659-A-G.
Other names: c.3416T>C, p.Ile1139Thr (NM_001406605.1, NM_001406606.1, NM_001406607.1); c.3413T>C, p.Ile1138Thr (NM_001406608.1, NM_001406609.1); c.3305T>C, p.Ile1102Thr (NM_001406610.1, NM_001162427.2); c.3302T>C, p.Ile1101Thr (NM_001406611.1, NM_001406612.1); c.3260T>C, p.Ile1087Thr (NM_001406613.1); c.3095T>C, p.Ile1032Thr (NM_001406614.1, NM_001362177.2, NM_001406615.1 and 4 more transcripts); c.3053T>C, p.Ile1018Thr (NM_001406624.1); c.3050T>C, p.Ile1017Thr (NM_001406625.1); and 8 more; short protein forms I1101T, I1102T, I1153T, I835T, I836T, I1031T, I1087T, I1152T.
Identifiers: ClinVar variation 2004175 (VCV002004175.4), dbSNP rs2131586217, ClinGen allele CA375366334.
Genomic context (GRCh38, chr9:132,896,272, plus strand): 5'-TAACACTGATTGACCATCATTCCTTAGCTGTGTTCATGATGAGTCTCATTGTAGTCCATG[A>G]TATGTAGCTGTCCAACACTGTCCGGGGTCGGGGGAGACGGGTGAGGGCCATCTAGGTTCA-3'
Protein context (NP_000359.1, residues 1143-1163): PTPDSVGQLH[Ile1153Thr]MDYNETHHEH